The following is an entry in ClinVar:

NM_177438.3(DICER1):c.1466C>T (p.Pro489Leu)

Gene: DICER1 (dicer 1, ribonuclease III; minus strand). Cytogenetic location: 14q32.13.
Variant type: single nucleotide variant.
Coding change: c.1466C>T on transcript NM_177438.3 (MANE Select); coding-DNA position 1466, C replaced by T.
Protein change: p.Pro489Leu; replaces proline 489 with leucine.
Molecular consequence: missense variant.
Genome position (GRCh38, 1-based): chr14:95,117,665, G>A on the plus strand (C>T on the coding strand, the complement: DICER1 is on the minus strand). VCF-style: chr14-95117665-G-A. GRCh37 (hg19) VCF-style: chr14-95584002-G-A.
Other names: c.1466C>T, p.Pro489Leu (NM_001195573.1, NM_001271282.3, NM_001291628.2 and 1 more transcripts); short protein forms P489L.
Identifiers: ClinVar variation 412094 (VCV000412094.18), dbSNP rs200866760, ClinGen allele CA7331479.
Genomic context (GRCh38, chr14:95,117,665, plus strand): 5'-ATTTTGATTTAAGTTACCTCTTCCTGTTTTCTGAATTCTGCTTCCATCTGTTTGTTGCGA[G>A]GCTGATTCTTCCCAATGCCATGTCCAGTTATGAAATTGCTACTGATATAAGCCAGCTCTG-3'
Protein context (NP_803187.1, residues 479-499): ITGHGIGKNQ[Pro489Leu]RNKQMEAEFR

ClinVar aggregate classification (germline): Uncertain significance. Review status: criteria provided, multiple submitters, no conflicts (2 of 4 stars). 5 submissions from 5 submitters: Uncertain significance (5). Last evaluated 2025-10-06.

Conditions:
Hereditary cancer-predisposing syndrome. Also called: Hereditary neoplastic syndrome; Neoplastic Syndromes, Hereditary; Tumor predisposition; Hereditary Cancer Syndrome. Identifiers: Orphanet 140162, MedGen C0027672, MeSH D009386, MONDO:0015356.
Global developmental delay - lung cysts - overgrowth - Wilms tumor syndrome. Also called: GLOW Syndrome; GLOBAL DEVELOPMENTAL DELAY, LUNG CYSTS, OVERGROWTH, AND WILMS TUMOR. Identifiers: Orphanet 404476, MedGen C4748924, MONDO:0018445, OMIM 618272.
DICER1-related tumor predisposition. Also called: DICER1-related pleuropulmonary blastoma cancer predisposition syndrome; DICER1 syndrome. Identifiers: Orphanet 284343, MedGen C3839822, MONDO:0100216.

Allele frequency attached by ClinVar (database versions not stated): gnomAD exomes below 0.00001 and 0.00001; ExAC 0.00002; gnomAD 0.00003; TOPMed 0.00004; 1000 Genomes Project 30x 0.00016; 1000 Genomes Project 0.00020.
gnomAD v4.1: 8 of 1,613,998 alleles (0.0005%); highest among the groups gnomAD compares: African/African-American, 0.011%; no homozygotes.

Submissions (5):

Ambry Genetics
Classification: Uncertain significance for Hereditary cancer-predisposing syndrome. Last evaluated: 2025-10-06. Review status: criteria provided, single submitter. Criteria: Ambry Variant Classification Scheme 2023. Collection method: clinical testing. Allele origin: germline.

Quest Diagnostics Nichols Institute San Juan Capistrano
Classification: Uncertain significance. Last evaluated: 2025-07-28. Review status: criteria provided, single submitter. Criteria: Quest Diagnostics criteria. Collection method: clinical testing. Allele origin: unknown.
Comment: The DICER1 c.1466C>T (p.Pro489Leu) variant has not been reported in individuals with DICER1-related conditions in the published literature. The frequency of this variant in the general population (Genome Aggregation Database) is uninformative in the assessment of its pathogenicity. Analysis of this variant using bioinformatics tools for the prediction of the effect of amino acid changes on protein structure and function yielded conflicting predictions that this variant is deleterious or benign. Based on the available information, we are unable to determine the clinical significance of this variant.

Labcorp Genetics (formerly Invitae), Labcorp
Classification: Uncertain significance for DICER1-related tumor predisposition. Last evaluated: 2025-01-13. Review status: criteria provided, single submitter. Criteria: Invitae Variant Classification Sherloc (09022015). Collection method: clinical testing. Allele origin: germline.
Comment: This sequence change replaces proline, which is neutral and non-polar, with leucine, which is neutral and non-polar, at codon 489 of the DICER1 protein (p.Pro489Leu). This variant is present in population databases (rs200866760, gnomAD 0.02%). This variant has not been reported in the literature in individuals affected with DICER1-related conditions. ClinVar contains an entry for this variant (Variation ID: 412094). Invitae Evidence Modeling of protein sequence and biophysical properties (such as structural, functional, and spatial information, amino acid conservation, physicochemical variation, residue mobility, and thermodynamic stability) indicates that this missense variant is not expected to disrupt DICER1 protein function with a negative predictive value of 95%. In summary, the available evidence is currently insufficient to determine the role of this variant in disease. Therefore, it has been classified as a Variant of Uncertain Significance.

GeneDx
Classification: Uncertain significance. Last evaluated: 2023-10-27. Review status: criteria provided, single submitter. Criteria: GeneDx Variant Classification Process June 2021. Collection method: clinical testing. Allele origin: germline. Affected: yes.
Comment: Not observed at significant frequency in large population cohorts (gnomAD); In silico analysis supports that this missense variant does not alter protein structure/function; Has not been previously published as pathogenic or benign to our knowledge

Baylor Genetics
Classification: Uncertain significance for Global developmental delay - lung cysts - overgrowth - Wilms tumor syndrome. Last evaluated: 2023-09-12. Review status: criteria provided, single submitter. Criteria: ACMG Guidelines, 2015. Collection method: clinical testing. Allele origin: unknown.